The following is an entry in ClinVar:

ClinVar aggregate classification (germline): Pathogenic (1 of 4 stars; one submission).

Conditions:
Lowe syndrome (OCRL). Also called: LOWE OCULOCEREBRORENAL SYNDROME; PHOSPHATIDYLINOSITOL 4,5-BISPHOSPHATE 5-PHOSPHATASE DEFICIENCY; Oculocerebrorenal Syndrome. Identifiers: Orphanet 534, MedGen C0028860, MONDO:0010645, OMIM 309000.

Submission:

Labcorp Genetics (formerly Invitae), Labcorp
Classification: Pathogenic for Lowe syndrome. Last evaluated: 2025-06-15. Review status: criteria provided, single submitter. Criteria: Invitae Variant Classification Sherloc (09022015). Collection method: clinical testing. Allele origin: germline.
Comment: This sequence change creates a premature translational stop signal (p.Tyr543*) in the OCRL gene. It is expected to result in an absent or disrupted protein product. Loss-of-function variants in OCRL are known to be pathogenic (PMID: 19390221, 21031565, 22381590). This variant is not present in population databases (gnomAD no frequency). This variant has not been reported in the literature in individuals affected with OCRL-related conditions. For these reasons, this variant has been classified as Pathogenic.

Literature cited by the submitters: PubMed 19390221; PubMed 21031565; PubMed 22381590.

NM_000276.4(OCRL):c.1628dup (p.Tyr543Ter)

Gene: OCRL (OCRL inositol polyphosphate-5-phosphatase; plus strand). Cytogenetic location: Xq26.1.
Variant type: Duplication.
Coding change: c.1628dup on transcript NM_000276.4 (MANE Select); coding-DNA position 1628, one base duplicated (A; older notation c.1628dupA).
Protein change: p.Tyr543Ter; replaces tyrosine 543 with a stop codon.
Molecular consequence: nonsense.
Genome position (GRCh38, 1-based): chrX:129,575,165, A duplicated. VCF-style (leftmost placement, unchanged base first): chrX-129575164-T-TA. GRCh37 (hg19) VCF-style: chrX-128709141-T-TA.
Other names: c.1631dup, p.Tyr544Ter (NM_001318784.2); c.1628dup, p.Tyr543Ter (NM_001587.4); short protein forms Y544*, Y543*.
Identifiers: ClinVar variation 4715660 (VCV004715660.1).